The following is an entry in ClinVar:

NC_000009.11:g.(?_103027084)_(103035378_?)del

Gene: INVS (inversin; plus strand). Cytogenetic location: 9q31.1.
Variant type: Deletion.
Identifiers: ClinVar variation 1421657 (VCV001421657.5).

ClinVar aggregate classification (germline): Pathogenic (1 of 4 stars; one submission).

Conditions:
Nephronophthisis. Also called: Juvenile Nephronophthisis. Identifiers: Orphanet 655, MedGen C0687120, MONDO:0019005, HP:0000090.

Submission:

Labcorp Genetics (formerly Invitae), Labcorp
Classification: Pathogenic for Nephronophthisis. Last evaluated: 2022-06-28. Review status: criteria provided, single submitter. Criteria: Invitae Variant Classification Sherloc (09022015). Collection method: clinical testing. Allele origin: germline.
Comment: This variant has not been reported in the literature in individuals affected with INVS-related conditions. For these reasons, this variant has been classified as Pathogenic. This variant is a gross deletion of the genomic region encompassing exon(s) 11-12 of the INVS gene. This deletion is out-of-frame, and is expected to create a premature termination codon and result in an absent or disrupted protein product. Loss-of-function variants in INVS are known to be pathogenic (PMID: 12872123).

Literature cited by the submitters: PubMed 12872123.